The following is an entry in ClinVar:

ClinVar aggregate classification (germline): Likely pathogenic (1 of 4 stars; one submission).

Conditions:
Nemaline myopathy 2 (NEM2). Also called: Nemaline myopathy 2, autosomal recessive. Identifiers: MedGen C1850569, MONDO:0009725, OMIM 256030.

Submission:

Natera, Inc.
Classification: Likely pathogenic for Nemaline myopathy type 2. Last evaluated: 2025-02-16. Review status: criteria provided, single submitter. Criteria: Natera Variant Classification Schema (03/2026). Collection method: clinical testing. Allele origin: germline.
Comment: The c.23119G>T variant in NEB is a nonsense variant predicted to introduce a stop codon at amino acid 7707. This variant is expected to result in nonsense mediated decay, truncation, or a dysfunctional protein product. This variant is rare in the general population with a frequency below the threshold expected for the associated phenotype(s). Given the available evidence, this variant is classified as Likely Pathogenic.

NM_001164508.2(NEB):c.23014G>T (p.Glu7672Ter)

Genes: NEB (nebulin; minus strand), RIF1 (replication timing regulatory factor 1; plus strand). Cytogenetic location: 2q23.3.
Variant type: single nucleotide variant.
Coding change: c.23014G>T on transcript NM_001164508.2 (MANE Select); coding-DNA position 23014, G replaced by T.
Protein change: p.Glu7672Ter; replaces glutamic acid 7672 with a stop codon.
Molecular consequence: nonsense.
Genome position (GRCh38, 1-based): chr2:151,514,820, C>A on the plus strand (G>T on the coding strand, the complement: NEB is on the minus strand). VCF-style: chr2-151514820-C-A. GRCh37 (hg19) VCF-style: chr2-152371334-C-A.
Other names: c.23014G>T, p.Glu7672Ter (NM_001164507.2); c.23119G>T, p.Glu7707Ter (NM_001271208.2); c.17911G>T, p.Glu5971Ter (NM_004543.5); short protein forms E5971*, E7672*, E7707*.
Identifiers: ClinVar variation 4058756 (VCV004058756.2).